The following is an entry in ClinVar:

NM_194277.3(FRMD7):c.1924G>A (p.Ala642Thr)

Gene: FRMD7 (FERM domain containing 7; minus strand). Cytogenetic location: Xq26.2.
Variant type: single nucleotide variant.
Coding change: c.1924G>A on transcript NM_194277.3 (MANE Select); coding-DNA position 1924, G replaced by A.
Protein change: p.Ala642Thr; replaces alanine 642 with threonine.
Molecular consequence: missense variant.
Genome position (GRCh38, 1-based): chrX:132,078,093, C>T on the plus strand (G>A on the coding strand, the complement: FRMD7 is on the minus strand). VCF-style: chrX-132078093-C-T. GRCh37 (hg19) VCF-style: chrX-131212121-C-T.
Other names: c.1879G>A, p.Ala627Thr (NM_001306193.2); c.1924G>A (NM_194277.2); short protein forms A627T, A642T.
Identifiers: ClinVar variation 1430058 (VCV001430058.9), dbSNP rs754604228, ClinGen allele CA10518803.

ClinVar aggregate classification (germline): Uncertain significance. Review status: criteria provided, multiple submitters, no conflicts (2 of 4 stars). 2 submissions from 2 submitters: Uncertain significance (2). Last evaluated 2025-10-22.

Conditions:
Inborn genetic diseases. Identifiers: MedGen C0950123, MeSH D030342.

Allele frequency attached by ClinVar (database versions not stated): gnomAD exomes below 0.00001 and 0.00001; ExAC 0.00001; gnomAD 0.00003; TOPMed 0.00003.
gnomAD v4.1: 7 of 1,209,805 alleles (0.00058%); highest among the groups gnomAD compares: African/African-American, 0.012%; no homozygotes.

Submissions (2):

Ambry Genetics
Classification: Uncertain significance for Inborn genetic diseases. Last evaluated: 2025-10-22. Review status: criteria provided, single submitter. Criteria: Ambry Variant Classification Scheme 2023. Collection method: clinical testing. Allele origin: germline.

Labcorp Genetics (formerly Invitae), Labcorp
Classification: Uncertain significance. Last evaluated: 2022-01-06. Review status: criteria provided, single submitter. Criteria: Invitae Variant Classification Sherloc (09022015). Collection method: clinical testing. Allele origin: germline.
Comment: In summary, the available evidence is currently insufficient to determine the role of this variant in disease. Therefore, it has been classified as a Variant of Uncertain Significance. Algorithms developed to predict the effect of missense changes on protein structure and function output the following: SIFT: "Tolerated"; PolyPhen-2: "Benign"; Align-GVGD: "Class C0". The threonine amino acid residue is found in multiple mammalian species, which suggests that this missense change does not adversely affect protein function. This variant has not been reported in the literature in individuals affected with FRMD7-related conditions. This variant is present in population databases (rs754604228, gnomAD 0.02%). This sequence change replaces alanine, which is neutral and non-polar, with threonine, which is neutral and polar, at codon 642 of the FRMD7 protein (p.Ala642Thr).